The following is an entry in ClinVar:

NM_000089.4(COL1A2):c.22C>T (p.Arg8Trp)

Gene: COL1A2 (collagen type I alpha 2 chain; plus strand). Cytogenetic location: 7q21.3.
Variant type: single nucleotide variant.
Coding change: c.22C>T on transcript NM_000089.4 (MANE Select); coding-DNA position 22, C replaced by T.
Protein change: p.Arg8Trp; replaces arginine 8 with tryptophan.
Molecular consequence: missense variant.
Genome position (GRCh38, 1-based): chr7:94,395,053, C>T. VCF-style: chr7-94395053-C-T. GRCh37 (hg19) VCF-style: chr7-94024365-C-T.
Other names: short protein forms R8W.
Identifiers: ClinVar variation 2922796 (VCV002922796.3), dbSNP rs1791554829, ClinGen allele CA368218812.

ClinVar aggregate classification (germline): Uncertain significance (1 of 4 stars; one submission).

Conditions:
Osteogenesis imperfecta type I (OI1). Also called: Lobstein disease; OI, TYPE I; OSTEOGENESIS IMPERFECTA TARDA; OSTEOGENESIS IMPERFECTA WITH BLUE SCLERAE; Osteogenesis imperfecta type 1; Lobstein's Disease. Identifiers: Orphanet 216796, Orphanet 666, MedGen C0023931, MONDO:0008146, OMIM 166200. Disease mechanism: loss of function.
Ehlers-Danlos syndrome, classic type, 1 (EDSCL1). Also called: EDS I; EHLERS-DANLOS SYNDROME, GRAVIS TYPE; EHLERS-DANLOS SYNDROME, SEVERE CLASSIC TYPE; Ehlers-Danlos syndrome, type 1; Ehlers-Danlos Syndrome, Classic Type, COL5A1-Related. Identifiers: MedGen C0268335, MONDO:0019567, OMIM 130000.

Allele frequency attached by ClinVar (database versions not stated): gnomAD exomes below 0.00001.
gnomAD v4.1: 3 of 1,614,004 alleles (0.00019%); highest among the groups gnomAD compares: Non-Finnish European, 0.00025%; no homozygotes.

Submission:

Labcorp Genetics (formerly Invitae), Labcorp
Classification: Uncertain significance for Osteogenesis imperfecta type I; Ehlers-Danlos syndrome, classic type, 1. Last evaluated: 2022-12-18. Review status: criteria provided, single submitter. Criteria: Invitae Variant Classification Sherloc (09022015). Collection method: clinical testing. Allele origin: germline.
Comment: This sequence change replaces arginine, which is basic and polar, with tryptophan, which is neutral and slightly polar, at codon 8 of the COL1A2 protein (p.Arg8Trp). This variant is not present in population databases (gnomAD no frequency). This variant has not been reported in the literature in individuals affected with COL1A2-related conditions. Advanced modeling of protein sequence and biophysical properties (such as structural, functional, and spatial information, amino acid conservation, physicochemical variation, residue mobility, and thermodynamic stability) performed at Invitae indicates that this missense variant is not expected to disrupt COL1A2 protein function. In summary, the available evidence is currently insufficient to determine the role of this variant in disease. Therefore, it has been classified as a Variant of Uncertain Significance.